The following is an entry in ClinVar:

NM_004525.3(LRP2):c.3056A>T (p.Asn1019Ile)

Gene: LRP2 (LDL receptor related protein 2; minus strand). Cytogenetic location: 2q31.1.
Variant type: single nucleotide variant.
Coding change: c.3056A>T on transcript NM_004525.3 (MANE Select); coding-DNA position 3056, A replaced by T.
Protein change: p.Asn1019Ile; replaces asparagine 1019 with isoleucine.
Molecular consequence: missense variant.
Genome position (GRCh38, 1-based): chr2:169,246,839, T>A on the plus strand (A>T on the coding strand, the complement: LRP2 is on the minus strand). VCF-style: chr2-169246839-T-A. GRCh37 (hg19) VCF-style: chr2-170103349-T-A.
Other names: short protein forms N1019I.
Identifiers: ClinVar variation 2004779 (VCV002004779.4), dbSNP rs2528397747, ClinGen allele CA349153099.

ClinVar aggregate classification (germline): Uncertain significance (1 of 4 stars; one submission).

Submission:

Labcorp Genetics (formerly Invitae), Labcorp
Classification: Uncertain significance. Last evaluated: 2022-06-11. Review status: criteria provided, single submitter. Criteria: Invitae Variant Classification Sherloc (09022015). Collection method: clinical testing. Allele origin: germline.
Comment: In summary, the available evidence is currently insufficient to determine the role of this variant in disease. Therefore, it has been classified as a Variant of Uncertain Significance. Advanced modeling of protein sequence and biophysical properties (such as structural, functional, and spatial information, amino acid conservation, physicochemical variation, residue mobility, and thermodynamic stability) performed at Invitae indicates that this missense variant is not expected to disrupt LRP2 protein function. This variant has not been reported in the literature in individuals affected with LRP2-related conditions. This variant is not present in population databases (gnomAD no frequency). This sequence change replaces asparagine, which is neutral and polar, with isoleucine, which is neutral and non-polar, at codon 1019 of the LRP2 protein (p.Asn1019Ile).